The following is an entry in ClinVar:

ClinVar aggregate classification (germline): Uncertain significance. Review status: criteria provided, multiple submitters, no conflicts (2 of 4 stars). 3 submissions from 3 submitters: Uncertain significance (3). Last evaluated 2024-12-11.

Conditions:
COACH syndrome 2. Identifiers: MedGen C5436837, MONDO:0030859, OMIM 619111.
Meckel syndrome, type 6. Identifiers: Orphanet 564, MedGen C2676790, MONDO:0012848, OMIM 612284.
Retinitis pigmentosa 93. Identifiers: MedGen C5676970, MONDO:0030797, OMIM 619845.
Joubert syndrome 9 (JBTS9). Identifiers: Orphanet 2318, MedGen C2676788, MONDO:0012849, OMIM 612285.
Inborn genetic diseases. Identifiers: MedGen C0950123, MeSH D030342.
Joubert syndrome. Also called: JOUBERT-BOLTSHAUSER SYNDROME; Familial aplasia of the vermis. Identifiers: Orphanet 475, MedGen C5979921, MONDO:0018772.
Meckel-Gruber syndrome. Also called: DYSENCEPHALIA SPLANCHNOCYSTICA; GRUBER SYNDROME; Dysencephalia splachnocystica. Identifiers: Orphanet 564, MedGen C0265215, MONDO:0018921.

Allele frequency attached by ClinVar (database versions not stated): gnomAD exomes 0.00001; gnomAD 0.00004; TOPMed 0.00006; 1000 Genomes Project 30x 0.00016; 1000 Genomes Project 0.00020.
gnomAD v4.1: 15 of 1,569,732 alleles (0.00096%); highest among the groups gnomAD compares: African/African-American, 0.02%; no homozygotes.

Submissions (3):

Ambry Genetics
Classification: Uncertain significance for Inborn genetic diseases. Last evaluated: 2024-12-11. Review status: criteria provided, single submitter. Criteria: Ambry Variant Classification Scheme 2023. Collection method: clinical testing. Allele origin: germline.

Fulgent Genetics
Classification: Uncertain significance for Meckel syndrome, type 6; Joubert syndrome 9; COACH syndrome 2; Retinitis pigmentosa 93. Last evaluated: 2024-03-14. Review status: criteria provided, single submitter. Criteria: ACMG Guidelines, 2015. Collection method: clinical testing. Allele origin: germline.

Labcorp Genetics (formerly Invitae), Labcorp
Classification: Uncertain significance for Joubert syndrome; Meckel-Gruber syndrome. Last evaluated: 2022-09-27. Review status: criteria provided, single submitter. Criteria: Invitae Variant Classification Sherloc (09022015). Collection method: clinical testing. Allele origin: germline.
Comment: This sequence change replaces leucine, which is neutral and non-polar, with valine, which is neutral and non-polar, at codon 701 of the CC2D2A protein (p.Leu701Val). This variant is present in population databases (rs537906621, gnomAD 0.005%). This missense change has been observed in individual(s) with clinical features of Joubert syndrome (PMID: 22241855). ClinVar contains an entry for this variant (Variation ID: 1462400). Advanced modeling of protein sequence and biophysical properties (such as structural, functional, and spatial information, amino acid conservation, physicochemical variation, residue mobility, and thermodynamic stability) performed at Invitae indicates that this missense variant is not expected to disrupt CC2D2A protein function. Algorithms developed to predict the effect of sequence changes on RNA splicing suggest that this variant may create or strengthen a splice site. In summary, the available evidence is currently insufficient to determine the role of this variant in disease. Therefore, it has been classified as a Variant of Uncertain Significance.

Literature cited by the submitters: PubMed 22241855 (cited by Ambry Genetics and Labcorp Genetics (formerly Invitae), Labcorp).

NM_001378615.1(CC2D2A):c.2101C>G (p.Leu701Val)

Genes: CC2D2A (coiled-coil and C2 domain containing 2A; plus strand), FBXL5 (F-box and leucine rich repeat protein 5; minus strand). Cytogenetic location: 4p15.32.
Variant type: single nucleotide variant.
Coding change: c.2101C>G on transcript NM_001378615.1 (MANE Select); coding-DNA position 2101, C replaced by G.
Protein change: p.Leu701Val; replaces leucine 701 with valine.
Molecular consequence: missense variant.
Genome position (GRCh38, 1-based): chr4:15,540,934, C>G. VCF-style: chr4-15540934-C-G. GRCh37 (hg19) VCF-style: chr4-15542557-C-G.
Other names: c.2101C>G, p.Leu701Val (NM_001080522.2); c.1954C>G, p.Leu652Val (NM_001378617.1); short protein forms L652V, L701V.
Identifiers: ClinVar variation 1462400 (VCV001462400.7), dbSNP rs537906621, ClinGen allele CA2863847.
Genomic context (GRCh38, chr4:15,540,934, plus strand): 5'-TCAGTGTACTTAAAAGTGCTGTTCAACAACAAGGAGGTGTCCAGGACAGTCAGTCGGCCA[C>G]TAGGAGCAGACTTCCGAGTTCACTTTGGGCAGATTTTCAATTTGCAAATAGTCAACTGGC-3'
Protein context (NP_001365544.1, residues 691-711): KEVSRTVSRP[Leu701Val]GADFRVHFGQ